The following is an entry in ClinVar:

NM_001393504.1(MAST3):c.3717G>T (p.Ser1239=)

Gene: MAST3 (microtubule associated serine/threonine kinase 3; plus strand). Cytogenetic location: 19p13.11.
Variant type: single nucleotide variant.
Coding change: c.3717G>T on transcript NM_001393504.1 (MANE Select); coding-DNA position 3717, G replaced by T.
Protein change: p.Ser1239=; no amino-acid change (serine 1239 retained).
Molecular consequence: synonymous variant.
Genome position (GRCh38, 1-based): chr19:18,149,399, G>T. VCF-style: chr19-18149399-G-T. GRCh37 (hg19) VCF-style: chr19-18260209-G-T.
Other names: c.3741G>T, p.Ser1247= (NM_001393501.1); c.3720G>T, p.Ser1240= (NM_001393502.1); c.3717G>T, p.Ser1239= (NM_001393503.1); c.3687G>T, p.Ser1229= (NM_001393505.1); c.3669G>T, p.Ser1223= (NM_001393506.1, NM_001393507.1); c.3651G>T, p.Ser1217= (NM_001393508.1); c.3648G>T, p.Ser1216= (NM_001393509.1, NM_001393510.1); c.3645G>T, p.Ser1215= (NM_001393511.1, NM_001393512.1); and 10 more.
Identifiers: ClinVar variation 4533552 (VCV004533552.8).

ClinVar aggregate classification (germline): Likely benign. Review status: criteria provided, multiple submitters, no conflicts (2 of 4 stars). 3 submissions from 3 submitters: Likely benign (3). Last evaluated 2026-07-10.

Conditions:
MAST3-related disorder.

gnomAD v4.1: 1,725 of 1,453,594 alleles (0.12%); highest among the groups gnomAD compares: South Asian, 0.35%; 8 homozygotes.

Submissions (3):

PreventionGenetics, part of Exact Sciences
Classification: Likely benign for MAST3-related condition. Last evaluated: 2026-07-10. Review status: criteria provided, single submitter. Criteria: ACMG Guidelines, 2015. Collection method: clinical testing. Allele origin: germline.
Comment: This variant is classified as likely benign based on ACMG/AMP sequence variant interpretation guidelines (Richards et al. 2015 PMID: 25741868, with internal and published modifications).

CeGaT Center for Human Genetics Tuebingen
Classification: Likely benign. Last evaluated: 2026-07-01. Review status: criteria provided, single submitter. Criteria: CeGaT Center For Human Genetics Tuebingen Variant Classification Criteria Version 2. Collection method: clinical testing. Allele origin: germline. Affected: yes. Observed: 2 variant alleles.
Comment: MAST3: BP4, BP7, BS1

Blueprint Genetics
Classification: Likely benign. Last evaluated: 2024-11-24. Review status: criteria provided, single submitter. Criteria: ACMG Guidelines, 2015. Collection method: clinical testing. Allele origin: germline.